The following is an entry in ClinVar:

ClinVar aggregate classification (germline): Uncertain significance (1 of 4 stars; one submission).

Conditions:
Kleefstra syndrome 1 (KLEFS1). Identifiers: Orphanet 261494, MedGen C0795833, MONDO:0027407, OMIM 610253.

Allele frequency attached by ClinVar (database versions not stated): TOPMed below 0.00001.

Submission:

Labcorp Genetics (formerly Invitae), Labcorp
Classification: Uncertain significance for Kleefstra syndrome 1. Last evaluated: 2022-03-19. Review status: criteria provided, single submitter. Criteria: Invitae Variant Classification Sherloc (09022015). Collection method: clinical testing. Allele origin: germline.
Comment: In summary, the available evidence is currently insufficient to determine the role of this variant in disease. Therefore, it has been classified as a Variant of Uncertain Significance. Algorithms developed to predict the effect of sequence changes on RNA splicing suggest that this variant may create or strengthen a splice site. Algorithms developed to predict the effect of missense changes on protein structure and function are either unavailable or do not agree on the potential impact of this missense change (SIFT: "Deleterious"; PolyPhen-2: "Probably Damaging"; Align-GVGD: "Class C15"). ClinVar contains an entry for this variant (Variation ID: 462975). This variant has not been reported in the literature in individuals affected with EHMT1-related conditions. This variant is not present in population databases (gnomAD no frequency). This sequence change replaces serine, which is neutral and polar, with tyrosine, which is neutral and polar, at codon 401 of the EHMT1 protein (p.Ser401Tyr).

NM_024757.5(EHMT1):c.1202C>A (p.Ser401Tyr)

Gene: EHMT1 (euchromatic histone lysine methyltransferase 1; plus strand). Cytogenetic location: 9q34.3.
Variant type: single nucleotide variant.
Coding change: c.1202C>A on transcript NM_024757.5 (MANE Select); coding-DNA position 1202, C replaced by A.
Protein change: p.Ser401Tyr; replaces serine 401 with tyrosine.
Molecular consequence: missense variant.
Genome position (GRCh38, 1-based): chr9:137,752,362, C>A. VCF-style: chr9-137752362-C-A. GRCh37 (hg19) VCF-style: chr9-140646814-C-A.
Other names: c.1202C>A, p.Ser401Tyr (NM_001145527.2, NM_001354611.2); c.1109C>A, p.Ser370Tyr (NM_001354259.2, NM_001354612.2); c.1181C>A, p.Ser394Tyr (NM_001354263.2); short protein forms S401Y, S394Y, S370Y.
Identifiers: ClinVar variation 462975 (VCV000462975.9), dbSNP rs1554863573, ClinGen allele CA375761362.